The following is an entry in ClinVar:

ClinVar aggregate classification (germline): Likely pathogenic. Review status: criteria provided, multiple submitters, no conflicts (2 of 4 stars). 3 submissions from 3 submitters: Likely pathogenic (3). Last evaluated 2025-08-14.

Conditions:
PCNT-related disorder. Also called: PCNT-related condition.
Microcephalic osteodysplastic primordial dwarfism type II (MOPD2). Also called: OSTEODYSPLASTIC PRIMORDIAL DWARFISM, TYPE II; Microcephalic osteodysplastic primordial dwarfism with tooth abnormalities; MOPD II. Identifiers: Orphanet 2637, MedGen C0432246, MONDO:0008872, OMIM 210720.

Allele frequency attached by ClinVar (database versions not stated): TOPMed below 0.00001; gnomAD exomes 0.00003.
gnomAD v4.1: 36 of 1,613,738 alleles (0.0022%); highest among the groups gnomAD compares: Non-Finnish European, 0.0031%; no homozygotes.

Submissions (3):

PreventionGenetics, part of Exact Sciences
Classification: Likely pathogenic for PCNT-related condition. Last evaluated: 2025-08-14. Review status: criteria provided, single submitter. Criteria: ACMG Guidelines, 2015. Collection method: clinical testing. Allele origin: germline.
Comment: The PCNT c.9715C>T variant is predicted to result in premature protein termination (p.Gln3239*). To our knowledge, this variant has not been reported in the literature or a large population database (gnomAD), indicating this variant is rare. Nonsense variants in PCNT are expected to be pathogenic. This variant is interpreted as likely pathogenic.

Fulgent Genetics
Classification: Likely pathogenic for Microcephalic osteodysplastic primordial dwarfism type II. Last evaluated: 2024-06-16. Review status: criteria provided, single submitter. Criteria: ACMG Guidelines, 2015. Collection method: clinical testing. Allele origin: germline.

Genetic Services Laboratory, University of Chicago
Classification: Likely pathogenic for Microcephalic osteodysplastic primordial dwarfism, type II. Last evaluated: 2016-11-28. Review status: criteria provided, single submitter. Criteria: ACMG Guidelines, 2015. Collection method: clinical testing. Allele origin: germline. Affected: yes.

NM_006031.6(PCNT):c.9715C>T (p.Gln3239Ter)

Gene: PCNT (pericentrin; plus strand). Cytogenetic location: 21q22.3.
Variant type: single nucleotide variant.
Coding change: c.9715C>T on transcript NM_006031.6 (MANE Select); coding-DNA position 9715, C replaced by T.
Protein change: p.Gln3239Ter; replaces glutamine 3239 with a stop codon.
Molecular consequence: nonsense.
Genome position (GRCh38, 1-based): chr21:46,443,824, C>T. VCF-style: chr21-46443824-C-T. GRCh37 (hg19) VCF-style: chr21-47863737-C-T.
Other names: c.9124C>T, p.Gln3042Ter (NM_001315529.2); short protein forms Q3239*, Q3042*.
Identifiers: ClinVar variation 436276 (VCV000436276.8), dbSNP rs1474939581, ClinGen allele CA410579307.